The following is an entry in ClinVar:

NM_000551.4(VHL):c.340+641_340+642insCTCC

Genes: VHL (von Hippel-Lindau tumor suppressor; plus strand), LOC107303340 (3p25 von Hippel-Lindau tumor suppressor, E3 ubiquitin protein ligase Alu-mediated recombination region; plus strand). Cytogenetic location: 3p25.3.
Variant type: Insertion.
Coding change: c.340+641_340+642insCTCC on transcript NM_000551.4 (MANE Select); bases 641 to 642 of the intron after coding-DNA position 340, CTCC inserted.
Molecular consequence: intron variant. On other transcripts: frameshift variant (1).
Genome position: GRCh38 VCF-style: chr3-10142828-G-GCTCC. GRCh37 (hg19) VCF-style: chr3-10184512-G-GCTCC.
Other names: c.406_407insCTCC, p.Gly136fs (NM_001354723.2); c.340+641_340+642insCTCC (NM_198156.3); short protein forms G136fs.
Identifiers: ClinVar variation 2032633 (VCV002032633.4), dbSNP rs2470159974, ClinGen allele CA2580068425.

ClinVar aggregate classification (germline): Uncertain significance (1 of 4 stars; one submission).

Conditions:
Chuvash polycythemia. Also called: POLYCYTHEMIA, VHL-DEPENDENT. Identifiers: Orphanet 238557, MedGen C1837915, MONDO:0009892, OMIM 263400.
Von Hippel-Lindau syndrome (VHLS). Also called: Von Hippel-Lindau; von Hippel–Lindau syndrome; VHL syndrome. Identifiers: Orphanet 892, MedGen C0019562, MONDO:0008667, OMIM 193300. Disease mechanism: loss of function.

Submission:

Labcorp Genetics (formerly Invitae), Labcorp
Classification: Uncertain significance for Von Hippel-Lindau syndrome; Chuvash polycythemia. Last evaluated: 2022-09-26. Review status: criteria provided, single submitter. Criteria: Invitae Variant Classification Sherloc (09022015). Collection method: clinical testing. Allele origin: germline.
Comment: In summary, the available evidence is currently insufficient to determine the role of this variant in disease. Therefore, it has been classified as a Variant of Uncertain Significance. This variant has not been reported in the literature in individuals affected with VHL-related conditions. Algorithms developed to predict the effect of sequence changes on RNA splicing suggest that this variant is not likely to affect RNA splicing. This sequence change falls in intron 1 of the VHL gene. It is not expected to change the encoded amino acid sequence of the VHL protein. However, this sequence change falls within a cryptic exon in the VHL gene, known as exon E1’, which is naturally expressed at low levels in several human tissues (PMID: 29891534). This variant is not present in population databases (gnomAD no frequency).

Literature cited by the submitters: PubMed 29891534.